The following is an entry in ClinVar:

ClinVar aggregate classification (germline): Uncertain significance. Review status: criteria provided, multiple submitters, no conflicts (2 of 4 stars). 2 submissions from 2 submitters: Uncertain significance (2). Last evaluated 2025-02-13.

Conditions:
Hereditary pancreatitis (PCTT). Also called: Hereditary chronic pancreatitis; PRSS1-Related Hereditary Pancreatitis. Identifiers: Orphanet 676, MedGen C0238339, MONDO:0008185, OMIM 167800.

Allele frequency attached by ClinVar (database versions not stated): gnomAD exomes below 0.00001.
gnomAD v4.1: 1 of 1,614,000 alleles (0.000062%); highest among the groups gnomAD compares: Non-Finnish European, 0.000085%; no homozygotes.

Submissions (2):

Ambry Genetics
Classification: Uncertain significance for Hereditary pancreatitis. Last evaluated: 2025-02-13. Review status: criteria provided, single submitter. Criteria: Ambry Variant Classification Scheme 2023. Collection method: clinical testing. Allele origin: germline.
Comment: The p.A259S variant (also known as c.775G>T), located in coding exon 7 of the CPA1 gene, results from a G to T substitution at nucleotide position 775. The alanine at codon 259 is replaced by serine, an amino acid with similar properties. This amino acid position is well conserved in available vertebrate species. In addition, this alteration is predicted to be tolerated by in silico analysis. Since supporting evidence is limited at this time, the clinical significance of this alteration remains unclear.

Labcorp Genetics (formerly Invitae), Labcorp
Classification: Uncertain significance. Last evaluated: 2024-09-13. Review status: criteria provided, single submitter. Criteria: Invitae Variant Classification Sherloc (09022015). Collection method: clinical testing. Allele origin: germline.
Comment: This sequence change replaces alanine, which is neutral and non-polar, with serine, which is neutral and polar, at codon 259 of the CPA1 protein (p.Ala259Ser). This variant is present in population databases (no rsID available, gnomAD 0.0009%). This variant has not been reported in the literature in individuals affected with CPA1-related conditions. ClinVar contains an entry for this variant (Variation ID: 847935). Invitae Evidence Modeling of protein sequence and biophysical properties (such as structural, functional, and spatial information, amino acid conservation, physicochemical variation, residue mobility, and thermodynamic stability) indicates that this missense variant is not expected to disrupt CPA1 protein function with a negative predictive value of 80%. In summary, the available evidence is currently insufficient to determine the role of this variant in disease. Therefore, it has been classified as a Variant of Uncertain Significance.

NM_001868.4(CPA1):c.775G>T (p.Ala259Ser)

Gene: CPA1 (carboxypeptidase A1; plus strand). Cytogenetic location: 7q32.2.
Variant type: single nucleotide variant.
Coding change: c.775G>T on transcript NM_001868.4 (MANE Select); coding-DNA position 775, G replaced by T.
Protein change: p.Ala259Ser; replaces alanine 259 with serine.
Molecular consequence: missense variant.
Genome position (GRCh38, 1-based): chr7:130,384,614, G>T. VCF-style: chr7-130384614-G-T. GRCh37 (hg19) VCF-style: chr7-130024455-G-T.
Other names: short protein forms A259S.
Identifiers: ClinVar variation 847935 (VCV000847935.14), dbSNP rs369665148, ClinGen allele CA369283049.